The following is an entry in ClinVar:

NM_001018113.3(FANCB):c.262G>A (p.Gly88Arg)

Gene: FANCB (FA complementation group B; minus strand). Cytogenetic location: Xp22.2.
Variant type: single nucleotide variant.
Coding change: c.262G>A on transcript NM_001018113.3 (MANE Select); coding-DNA position 262, G replaced by A.
Protein change: p.Gly88Arg; replaces glycine 88 with arginine.
Molecular consequence: missense variant. On other transcripts: non-coding transcript variant (1).
Genome position (GRCh38, 1-based): chrX:14,865,249, C>T on the plus strand (G>A on the coding strand, the complement: FANCB is on the minus strand). VCF-style: chrX-14865249-C-T. GRCh37 (hg19) VCF-style: chrX-14883371-C-T.
Other names: c.262G>A (NM_001018113.2); c.262G>A, p.Gly88Arg (NM_001324162.2, NM_152633.4); short protein forms G88R.
Identifiers: ClinVar variation 526482 (VCV000526482.16), dbSNP rs142101123, ClinGen allele CA10353219.

ClinVar aggregate classification (germline): Benign/Likely benign. Review status: criteria provided, multiple submitters, no conflicts (2 of 4 stars). 5 submissions from 5 submitters: Benign (1); Likely benign (4). Last evaluated 2026-01-19.

Conditions:
FANCB-related disorder. Also called: FANCB-related condition.
Fanconi anemia (FA). Also called: Fanconi's anemia. Identifiers: Orphanet 84, MedGen C0015625, MeSH D005199, MONDO:0019391.

Allele frequency attached by ClinVar (database versions not stated): gnomAD exomes 0.00005 and 0.00016; ExAC 0.00016; ESP Exome Variant Server 0.00028; gnomAD 0.00053 and 0.00058; TOPMed 0.00059; 1000 Genomes Project 0.00079; 1000 Genomes Project 30x 0.00125.
gnomAD v4.1: 122 of 1,147,117 alleles (0.011%); highest among the groups gnomAD compares: African/African-American, 0.18%; no homozygotes.

Submissions (5):

Labcorp Genetics (formerly Invitae), Labcorp
Classification: Benign for Fanconi anemia. Last evaluated: 2026-01-19. Review status: criteria provided, single submitter. Criteria: Invitae Variant Classification Sherloc (09022015). Collection method: clinical testing. Allele origin: germline.

PreventionGenetics, part of Exact Sciences
Classification: Likely benign for FANCB-related condition. Last evaluated: 2025-03-10. Review status: criteria provided, single submitter. Criteria: ACMG Guidelines, 2015. Collection method: clinical testing. Allele origin: germline.
Comment: This variant is classified as likely benign based on ACMG/AMP sequence variant interpretation guidelines (Richards et al. 2015 PMID: 25741868, with internal and published modifications).

Blueprint Genetics
Classification: Likely benign. Last evaluated: 2024-05-09. Review status: criteria provided, single submitter. Criteria: ACMG Guidelines, 2015. Collection method: clinical testing. Allele origin: germline.

Sema4
Classification: Likely benign for Fanconi anemia. Last evaluated: 2022-02-05. Review status: criteria provided, single submitter. Criteria: Sema4 Curation Guidelines. Collection method: curation. Allele origin: germline.

Genetic Services Laboratory, University of Chicago
Classification: Likely benign. Last evaluated: 2018-02-14. Review status: criteria provided, single submitter. Criteria: ACMG Guidelines, 2015. Collection method: clinical testing. Allele origin: germline. Affected: no.